The following is an entry in ClinVar:

NM_001103.4(ACTN2):c.537-3A>T

Gene: ACTN2 (actinin alpha 2; plus strand). Cytogenetic location: 1q43.
Variant type: single nucleotide variant.
Coding change: c.537-3A>T on transcript NM_001103.4 (MANE Select); 3 bases into the intron before coding-DNA position 537, A replaced by T.
Molecular consequence: intron variant.
Genome position (GRCh38, 1-based): chr1:236,727,675, A>T. VCF-style: chr1-236727675-A-T. GRCh37 (hg19) VCF-style: chr1-236890975-A-T.
Other names: c.-285-3A>T (NM_001278344.2); c.537-3A>T (NM_001278343.2).
Identifiers: ClinVar variation 1423119 (VCV001423119.6), dbSNP rs2102906436, ClinGen allele CA2573132816.

ClinVar aggregate classification (germline): Uncertain significance (1 of 4 stars; one submission).

Conditions:
Primary familial hypertrophic cardiomyopathy (HCM). Identifiers: Orphanet 99739, MedGen C0949658, MeSH D024741, MONDO:0024573. Inheritance: Various modes of inheritance.
Dilated cardiomyopathy 1AA (CMD1AA). Also called: CARDIOMYOPATHY, DILATED, 1AA, WITH OR WITHOUT LEFT VENTRICULAR NONCOMPACTION; CARDIOMYOPATHY, FAMILIAL HYPERTROPHIC, 23, WITH OR WITHOUT LEFT VENTRICULAR NONCOMPACTION; Cardiomyopathy, dilated, 1AA, with or without LVNC. Identifiers: Orphanet 154, MedGen C2677338, MONDO:0012808, OMIM 612158.

Allele frequency attached by ClinVar (database versions not stated): gnomAD exomes below 0.00001.
gnomAD v4.1: 1 of 1,614,086 alleles (0.000062%); highest among the groups gnomAD compares: Middle Eastern, 0.016%; no homozygotes.

Submission:

Labcorp Genetics (formerly Invitae), Labcorp
Classification: Uncertain significance for Primary familial hypertrophic cardiomyopathy; Dilated cardiomyopathy 1AA. Last evaluated: 2021-08-12. Review status: criteria provided, single submitter. Criteria: Invitae Variant Classification Sherloc (09022015). Collection method: clinical testing. Allele origin: germline.
Comment: In summary, the available evidence is currently insufficient to determine the role of this variant in disease. Therefore, it has been classified as a Variant of Uncertain Significance. Nucleotide substitutions within the consensus splice site are a relatively common cause of aberrant splicing (PMID: 17576681, 9536098). Algorithms developed to predict the effect of sequence changes on RNA splicing suggest that this variant is not likely to affect RNA splicing, but this prediction has not been confirmed by published transcriptional studies. This variant has not been reported in the literature in individuals with ACTN2-related conditions. This variant is not present in population databases (ExAC no frequency). This sequence change falls in intron 5 of the ACTN2 gene. It does not directly change the encoded amino acid sequence of the ACTN2 protein. It affects a nucleotide within the consensus splice site of the intron.

Literature cited by the submitters: PubMed 17576681; PubMed 9536098.